The following is an entry in ClinVar:

NM_001378454.1(ALMS1):c.1976C>T (p.Thr659Met)

Gene: ALMS1 (ALMS1 centrosome and basal body associated protein; plus strand). Cytogenetic location: 2p13.1.
Variant type: single nucleotide variant.
Coding change: c.1976C>T on transcript NM_001378454.1 (MANE Select); coding-DNA position 1976, C replaced by T.
Protein change: p.Thr659Met; replaces threonine 659 with methionine.
Molecular consequence: missense variant.
Genome position (GRCh38, 1-based): chr2:73,448,503, C>T. VCF-style: chr2-73448503-C-T. GRCh37 (hg19) VCF-style: chr2-73675630-C-T.
Other names: c.1979C>T, p.Thr660Met (NM_015120.4); short protein forms T660M, T659M.
Identifiers: ClinVar variation 423290 (VCV000423290.19), dbSNP rs199682595, ClinGen allele CA1713249.
Genomic context (GRCh38, chr2:73,448,503, plus strand): 5'-GTAACTTAACCGAAGAGCCTTTGGAAGTTTCAGCTGCTCCTGGCCCAGTGGAGCAGAAGA[C>T]GGGAATACCTACAGTATCCTCTACATCCCACTCACATGTAGAGGACCTCCTCTTTTTCTA-3'
Protein context (NP_001365383.1, residues 649-669): SAAPGPVEQK[Thr659Met]GIPTVSSTSH

ClinVar aggregate classification (germline): Uncertain significance. Review status: criteria provided, multiple submitters, no conflicts (2 of 4 stars). 8 submissions from 8 submitters: Uncertain significance (7). 1 of the submissions does not count toward it. Last evaluated 2026-05-24.

Conditions:
Cardiovascular phenotype. Identifiers: MedGen CN230736.
Alstrom syndrome (ALMS). Identifiers: Orphanet 64, MedGen C0268425, MONDO:0008763, OMIM 203800.

Allele frequency attached by ClinVar (database versions not stated): TOPMed 0.00006; gnomAD 0.00011; 1000 Genomes Project 30x 0.00016; ESP Exome Variant Server 0.00017.

Submissions (8):

Women's Health and Genetics/Laboratory Corporation of America, LabCorp
Classification: Uncertain significance. Last evaluated: 2026-05-24. Review status: criteria provided, single submitter. Criteria: LabCorp Variant Classification Summary - May 2015. Collection method: clinical testing. Allele origin: germline.

GeneDx
Classification: Uncertain significance. Last evaluated: 2025-01-08. Review status: criteria provided, single submitter. Criteria: GeneDx Variant Classification Process June 2021. Collection method: clinical testing. Allele origin: germline. Affected: yes.
Comment: Has not been previously published as pathogenic or benign to our knowledge; In-silico analysis is inconclusive as to whether the variant impacts protein structure/function. In the absence of functional studies, the actual effect of this sequence change is unknown

Blueprint Genetics
Classification: Uncertain significance. Last evaluated: 2024-08-19. Review status: criteria provided, single submitter. Criteria: ACMG Guidelines, 2015. Collection method: clinical testing. Allele origin: germline.

Ambry Genetics
Classification: Uncertain significance for Cardiovascular phenotype. Last evaluated: 2023-10-30. Review status: criteria provided, single submitter. Criteria: Ambry Variant Classification Scheme 2023. Collection method: clinical testing. Allele origin: germline.
Comment: The p.T660M variant (also known as c.1979C>T), located in coding exon 8 of the ALMS1 gene, results from a C to T substitution at nucleotide position 1979. The threonine at codon 660 is replaced by methionine, an amino acid with similar properties. This amino acid position is well conserved in available vertebrate species. In addition, this alteration is predicted to be tolerated by in silico analysis. Since supporting evidence is limited at this time, the clinical significance of this alteration remains unclear.

Labcorp Genetics (formerly Invitae), Labcorp
Classification: Uncertain significance for Alstrom syndrome. Last evaluated: 2022-10-25. Review status: criteria provided, single submitter. Criteria: Invitae Variant Classification Sherloc (09022015). Collection method: clinical testing. Allele origin: germline.
Comment: This sequence change replaces threonine, which is neutral and polar, with methionine, which is neutral and non-polar, at codon 660 of the ALMS1 protein (p.Thr660Met). This variant is present in population databases (rs199682595, gnomAD 0.02%). This variant has not been reported in the literature in individuals affected with ALMS1-related conditions. ClinVar contains an entry for this variant (Variation ID: 423290). Experimental studies and prediction algorithms are not available or were not evaluated, and the functional significance of this variant is currently unknown. In summary, the available evidence is currently insufficient to determine the role of this variant in disease. Therefore, it has been classified as a Variant of Uncertain Significance.

Fulgent Genetics
Classification: Uncertain significance for Alstrom syndrome. Last evaluated: 2022-04-19. Review status: criteria provided, single submitter. Criteria: ACMG Guidelines, 2015. Collection method: clinical testing. Allele origin: unknown.

Genetic Services Laboratory, University of Chicago
Classification: Uncertain significance. Last evaluated: 2021-03-08. Review status: criteria provided, single submitter. Criteria: ACMG Guidelines, 2015. Collection method: clinical testing. Allele origin: germline. Affected: no.
Comment: DNA sequence analysis of the ALMS1 gene demonstrated a sequence change, c.1979C>T, in exon 8 that results in an amino acid change, p.Thr660Met. This sequence change has been described in gnomAD with a population frequency of 0.011% (dbSNP rs199682595). The p.Thr660Met change affects a poorly conserved amino acid residue located in a domain of the ALMS1 protein that is not known to be functional. In-silico pathogenicity prediction tools (SIFT, PolyPhen2, Align GVGD, REVEL) provide contradictory results for the p.Thr660Met substitution. This sequence change does not appear to have been previously described in patients with ALMS1-related disorders. Due to the lack of sufficient evidences, the clinical significance of the p.Thr660Met change remains unknown at this time.

Natera, Inc.
Classification: Uncertain significance for Alstrom syndrome. Last evaluated: 2021-09-28. Review status: no assertion criteria provided. Collection method: clinical testing. Allele origin: germline. Not counted in ClinVar's aggregate classification.